The following is an entry in ClinVar:

ClinVar aggregate classification (germline): Benign/Likely benign. Review status: criteria provided, multiple submitters, no conflicts (2 of 4 stars). 6 submissions from 6 submitters: Benign (3); Likely benign (3). Last evaluated 2026-07-01.

Conditions:
Imerslund-Grasbeck syndrome type 2. Also called: Megaloblastic anemia 1, Norwegian type; MEGALOBLASTIC ANEMIA, NORWEGIAN TYPE; Imerslund-Gräsbeck syndrome 2. Identifiers: MedGen C4016948, MONDO:0100157, OMIM 618882.
Imerslund-Grasbeck syndrome. Also called: ENTEROCYTE COBALAMIN MALABSORPTION; ENTEROCYTE INTRINSIC FACTOR RECEPTOR, DEFECT OF; Megaloblastic anemia due to inborn errors of metabolism; Imerslund-Gräsbeck syndrome; PERNICIOUS ANEMIA, JUVENILE, DUE TO SELECTIVE INTESTINAL MALABSORPTION OF VITAMIN B12, WITH PROTEINURIA. Identifiers: Orphanet 35858, MedGen C4551825, MONDO:0009853.

Allele frequency attached by ClinVar (database versions not stated): ESP Exome Variant Server 0.00385; 1000 Genomes Project 0.00419; gnomAD 0.00428 and 0.00458; 1000 Genomes Project 30x 0.00437; TOPMed 0.00473; gnomAD exomes 0.00496; ExAC 0.00725.

Submissions (6):

CeGaT Center for Human Genetics Tuebingen
Classification: Likely benign. Last evaluated: 2026-07-01. Review status: criteria provided, single submitter. Criteria: CeGaT Center For Human Genetics Tuebingen Variant Classification Criteria Version 2. Collection method: clinical testing. Allele origin: germline. Affected: yes. Observed: 5 variant alleles.
Comment: AMN: BS2

Labcorp Genetics (formerly Invitae), Labcorp
Classification: Benign for Imerslund-Grasbeck syndrome. Last evaluated: 2026-01-31. Review status: criteria provided, single submitter. Criteria: Invitae Variant Classification Sherloc (09022015). Collection method: clinical testing. Allele origin: germline.

Mayo Clinic Laboratories, Mayo Clinic
Classification: Benign. Last evaluated: 2025-01-13. Review status: criteria provided, single submitter. Criteria: ACMG Guidelines, 2015. Collection method: clinical testing. Allele origin: germline. Observed: 1 variant allele.
Comment: BA1, BP4_moderate

ARUP Laboratories, Molecular Genetics and Genomics, ARUP Laboratories
Classification: Benign for Imerslund-Grasbeck syndrome type 2. Last evaluated: 2024-09-23. Review status: criteria provided, single submitter. Criteria: ARUP Molecular Germline Variant Investigation Process 2024. Collection method: clinical testing. Allele origin: germline.

GeneDx
Classification: Likely benign. Last evaluated: 2020-03-18. Review status: criteria provided, single submitter. Criteria: GeneDx Variant Classification Process June 2021. Collection method: clinical testing. Allele origin: germline. Affected: yes.

Breakthrough Genomics
Classification: Likely benign. Review status: criteria provided, single submitter. Criteria: ACMG Guidelines, 2015. Collection method: not provided. Allele origin: germline. Inheritance: Autosomal recessive inheritance. Affected: yes.

Literature cited by the submitters: PubMed 33693455 (cited by Mayo Clinic Laboratories, Mayo Clinic).

NM_030943.4(AMN):c.829A>G (p.Thr277Ala)

Gene: AMN (amnion associated transmembrane protein; plus strand). Cytogenetic location: 14q32.32.
Variant type: single nucleotide variant.
Coding change: c.829A>G on transcript NM_030943.4 (MANE Select); coding-DNA position 829, A replaced by G.
Protein change: p.Thr277Ala; replaces threonine 277 with alanine.
Molecular consequence: missense variant.
Genome position (GRCh38, 1-based): chr14:102,929,723, A>G. VCF-style: chr14-102929723-A-G. GRCh37 (hg19) VCF-style: chr14-103396060-A-G.
Other names: p.Thr277Ala; short protein forms T277A.
Identifiers: ClinVar variation 463391 (VCV000463391.40), dbSNP rs146499374, ClinGen allele CA7360010.
Genomic context (GRCh38, chr14:102,929,723, plus strand): 5'-GTGTTGCTGACCCACGGCCCCGCATTTGACCTGGAGCGGTACCGGGCGCGGATACTGGAC[A>G]CCTTCCTGGGTCTGGTAATGGGGCCGCGCGGGCAGCTGAGGGGAGTCCCGACCCCAGCCC-3'
Protein context (NP_112205.2, residues 267-287): LERYRARILD[Thr277Ala]FLGLPQYHGL